The following is an entry in ClinVar:

NM_006231.4(POLE):c.5435T>G (p.Ile1812Ser)

Gene: POLE (DNA polymerase epsilon, catalytic subunit; minus strand). Cytogenetic location: 12q24.33.
Variant type: single nucleotide variant.
Coding change: c.5435T>G on transcript NM_006231.4 (MANE Select); coding-DNA position 5435, T replaced by G.
Protein change: p.Ile1812Ser; replaces isoleucine 1812 with serine.
Molecular consequence: missense variant.
Genome position (GRCh38, 1-based): chr12:132,639,242, A>C on the plus strand (T>G on the coding strand, the complement: POLE is on the minus strand). VCF-style: chr12-132639242-A-C. GRCh37 (hg19) VCF-style: chr12-133215828-A-C.
Other names: short protein forms I1812S.
Identifiers: ClinVar variation 3720264 (VCV003720264.2).

ClinVar aggregate classification (germline): Uncertain significance (1 of 4 stars; one submission).

Submission:

Labcorp Genetics (formerly Invitae), Labcorp
Classification: Uncertain significance. Last evaluated: 2024-10-20. Review status: criteria provided, single submitter. Criteria: Invitae Variant Classification Sherloc (09022015). Collection method: clinical testing. Allele origin: germline.
Comment: This sequence change replaces isoleucine, which is neutral and non-polar, with serine, which is neutral and polar, at codon 1812 of the POLE protein (p.Ile1812Ser). This variant is not present in population databases (gnomAD no frequency). This variant has not been reported in the literature in individuals affected with POLE-related conditions. Invitae Evidence Modeling of protein sequence and biophysical properties (such as structural, functional, and spatial information, amino acid conservation, physicochemical variation, residue mobility, and thermodynamic stability) indicates that this missense variant is not expected to disrupt POLE protein function with a negative predictive value of 80%. In summary, the available evidence is currently insufficient to determine the role of this variant in disease. Therefore, it has been classified as a Variant of Uncertain Significance.